The following is an entry in ClinVar:

ClinVar aggregate classification (germline): Uncertain significance (1 of 4 stars; one submission).

Allele frequency attached by ClinVar (database versions not stated): gnomAD 0.00001; gnomAD exomes 0.00001 and 0.00002; ExAC 0.00002; TOPMed 0.00002.
gnomAD v4.1: 30 of 1,613,958 alleles (0.0019%); highest among the groups gnomAD compares: African/African-American, 0.011%; no homozygotes.

Submission:

Labcorp Genetics (formerly Invitae), Labcorp
Classification: Uncertain significance. Last evaluated: 2021-11-27. Review status: criteria provided, single submitter. Criteria: Invitae Variant Classification Sherloc (09022015). Collection method: clinical testing. Allele origin: germline.
Comment: This sequence change replaces alanine, which is neutral and non-polar, with threonine, which is neutral and polar, at codon 1840 of the OTOF protein (p.Ala1840Thr). This variant is present in population databases (rs771088478, gnomAD 0.007%). This variant has not been reported in the literature in individuals affected with OTOF-related conditions. Algorithms developed to predict the effect of missense changes on protein structure and function are either unavailable or do not agree on the potential impact of this missense change (SIFT: "Deleterious"; PolyPhen-2: "Benign"; Align-GVGD: "Class C55"). In summary, the available evidence is currently insufficient to determine the role of this variant in disease. Therefore, it has been classified as a Variant of Uncertain Significance.

NM_194248.3(OTOF):c.5518G>A (p.Ala1840Thr)

Gene: OTOF (otoferlin; minus strand). Cytogenetic location: 2p23.3.
Variant type: single nucleotide variant.
Coding change: c.5518G>A on transcript NM_194248.3 (MANE Select); coding-DNA position 5518, G replaced by A.
Protein change: p.Ala1840Thr; replaces alanine 1840 with threonine.
Molecular consequence: missense variant.
Genome position (GRCh38, 1-based): chr2:26,461,711, C>T on the plus strand (G>A on the coding strand, the complement: OTOF is on the minus strand). VCF-style: chr2-26461711-C-T. GRCh37 (hg19) VCF-style: chr2-26684579-C-T.
Other names: c.5518G>A, p.Ala1840Thr (NM_001287489.2); c.3217G>A, p.Ala1073Thr (NM_004802.4, NM_194323.3); c.3448G>A, p.Ala1150Thr (NM_194322.3); short protein forms A1073T, A1840T, A1150T.
Identifiers: ClinVar variation 1383441 (VCV001383441.3), dbSNP rs771088478, ClinGen allele CA1562803.